The following is an entry in ClinVar:

NM_018671.5(UNC45A):c.2203C>T (p.Arg735Trp)

Gene: UNC45A (unc-45 myosin chaperone A; plus strand). Cytogenetic location: 15q26.1.
Variant type: single nucleotide variant.
Coding change: c.2203C>T on transcript NM_018671.5 (MANE Select); coding-DNA position 2203, C replaced by T.
Protein change: p.Arg735Trp; replaces arginine 735 with tryptophan.
Molecular consequence: missense variant.
Genome position (GRCh38, 1-based): chr15:90,950,515, C>T. VCF-style: chr15-90950515-C-T. GRCh37 (hg19) VCF-style: chr15-91493745-C-T.
Other names: c.2158C>T, p.Arg720Trp (NM_001039675.2, NM_001323621.2); c.2203C>T, p.Arg735Trp (NM_001323619.1); c.1768C>T, p.Arg590Trp (NM_001323620.2); c.2203C>T (NM_018671.3); short protein forms R735W, R590W, R720W.
Identifiers: ClinVar variation 1417247 (VCV001417247.4), dbSNP rs142006513, ClinGen allele CA7743215.

ClinVar aggregate classification (germline): Uncertain significance. Review status: criteria provided, multiple submitters, no conflicts (2 of 4 stars). 2 submissions from 2 submitters: Uncertain significance (2). Last evaluated 2025-08-24.

Conditions:
Inborn genetic diseases. Identifiers: MedGen C0950123, MeSH D030342.

Allele frequency attached by ClinVar (database versions not stated): TOPMed 0.00005; gnomAD 0.00007; gnomAD exomes 0.00011; ExAC 0.00013; ESP Exome Variant Server 0.00023.

Submissions (2):

Ambry Genetics
Classification: Uncertain significance for Inborn genetic diseases. Last evaluated: 2025-08-24. Review status: criteria provided, single submitter. Criteria: Ambry Variant Classification Scheme 2023. Collection method: clinical testing. Allele origin: germline.

Labcorp Genetics (formerly Invitae), Labcorp
Classification: Uncertain significance. Last evaluated: 2022-06-13. Review status: criteria provided, single submitter. Criteria: Invitae Variant Classification Sherloc (09022015). Collection method: clinical testing. Allele origin: germline.
Comment: This sequence change replaces arginine, which is basic and polar, with tryptophan, which is neutral and slightly polar, at codon 735 of the UNC45A protein (p.Arg735Trp). This variant is present in population databases (rs142006513, gnomAD 0.05%). This variant has not been reported in the literature in individuals affected with UNC45A-related conditions. Experimental studies and prediction algorithms are not available or were not evaluated, and the functional significance of this variant is currently unknown. In summary, the available evidence is currently insufficient to determine the role of this variant in disease. Therefore, it has been classified as a Variant of Uncertain Significance.